The following is an entry in ClinVar:

ClinVar aggregate classification (germline): Uncertain significance. Review status: criteria provided, multiple submitters, no conflicts (2 of 4 stars). 2 submissions from 2 submitters: Uncertain significance (2). Last evaluated 2024-06-19.

Conditions:
Cardiovascular phenotype. Identifiers: MedGen CN230736.
Arrhythmogenic right ventricular dysplasia 5. Also called: Arrhythmogenic Right Ventricular Dysplasia/Cardiomyopathy 5; ARRHYTHMOGENIC RIGHT VENTRICULAR DYSPLASIA, FAMILIAL, 5. Identifiers: MedGen C1858379, MONDO:0011459, OMIM 604400.

Submissions (2):

Ambry Genetics
Classification: Uncertain significance for Cardiovascular phenotype. Last evaluated: 2024-06-19. Review status: criteria provided, single submitter. Criteria: Ambry Variant Classification Scheme 2023. Collection method: clinical testing. Allele origin: germline.

Labcorp Genetics (formerly Invitae), Labcorp
Classification: Uncertain significance for Arrhythmogenic right ventricular dysplasia 5. Last evaluated: 2022-03-19. Review status: criteria provided, single submitter. Criteria: Invitae Variant Classification Sherloc (09022015). Collection method: clinical testing. Allele origin: germline.
Comment: ClinVar contains an entry for this variant (Variation ID: 406894). This sequence change replaces alanine, which is neutral and non-polar, with threonine, which is neutral and polar, at codon 293 of the TMEM43 protein (p.Ala293Thr). This variant is not present in population databases (gnomAD no frequency). This variant has not been reported in the literature in individuals affected with TMEM43-related conditions. Algorithms developed to predict the effect of missense changes on protein structure and function (SIFT, PolyPhen-2, Align-GVGD) all suggest that this variant is likely to be tolerated. In summary, the available evidence is currently insufficient to determine the role of this variant in disease. Therefore, it has been classified as a Variant of Uncertain Significance.

NM_024334.3(TMEM43):c.877G>A (p.Ala293Thr)

Gene: TMEM43 (transmembrane protein 43; plus strand). Cytogenetic location: 3p25.1.
Variant type: single nucleotide variant.
Coding change: c.877G>A on transcript NM_024334.3 (MANE Select); coding-DNA position 877, G replaced by A.
Protein change: p.Ala293Thr; replaces alanine 293 with threonine.
Molecular consequence: missense variant.
Genome position (GRCh38, 1-based): chr3:14,135,903, G>A. VCF-style: chr3-14135903-G-A. GRCh37 (hg19) VCF-style: chr3-14177403-G-A.
Other names: short protein forms A293T.
Identifiers: ClinVar variation 406894 (VCV000406894.9), dbSNP rs1060501357, ClinGen allele CA16611379.
Genomic context (GRCh38, chr3:14,135,903, plus strand): 5'-GTCCCATTCTCCACCAAGTCTGGGGATACCTTACTGCTCCTGCACCACGGGGACTTCTCA[G>A]CAGAGGTGAGTGCTGTGCCCTACTCGTACGGTGGAGGAACAAGCATGTCCTTCCTTCCTT-3'
Protein context (NP_077310.1, residues 283-303): LLLLHHGDFS[Ala293Thr]EEVFHRELRS